The following is an entry in ClinVar:

ClinVar aggregate classification (germline): Likely pathogenic (1 of 4 stars; one submission).

Conditions:
Cohen syndrome (COH1). Also called: PEPPER SYNDROME; Cutis verticis gyrata, retinitis pigmentosa, and sensorineural deafness. Identifiers: Orphanet 193, MedGen C0265223, MONDO:0008999, OMIM 216550.

gnomAD v4.1: 1 of 1,613,470 alleles (0.000062%); highest among the groups gnomAD compares: Non-Finnish European, 0.000085%; no homozygotes.

Submission:

Natera, Inc.
Classification: Likely pathogenic for Cohen syndrome. Last evaluated: 2024-04-22. Review status: criteria provided, single submitter. Criteria: Natera Variant Classification Schema (03/2026). Collection method: clinical testing. Allele origin: germline.
Comment: The c.9067C>T variant in VPS13B is a nonsense variant predicted to introduce a stop codon at amino acid 3023. This variant is expected to result in nonsense mediated decay, truncation, or a dysfunctional protein product. This variant is rare in the general population with a frequency below the threshold expected for the associated phenotype(s). Given the available evidence, this variant is classified as Likely Pathogenic.

NM_152564.5(VPS13B):c.8992C>T (p.Gln2998Ter)

Gene: VPS13B (vacuolar protein sorting 13 homolog B; plus strand). Cytogenetic location: 8q22.2.
Variant type: single nucleotide variant.
Coding change: c.8992C>T on transcript NM_152564.5 (MANE Select); coding-DNA position 8992, C replaced by T.
Protein change: p.Gln2998Ter; replaces glutamine 2998 with a stop codon.
Molecular consequence: nonsense.
Genome position (GRCh38, 1-based): chr8:99,820,120, C>T. VCF-style: chr8-99820120-C-T. GRCh37 (hg19) VCF-style: chr8-100832348-C-T.
Other names: c.9067C>T, p.Gln3023Ter (NM_017890.5); short protein forms Q2998*, Q3023*.
Identifiers: ClinVar variation 4815982 (VCV004815982.1).
Genomic context (GRCh38, chr8:99,820,120, plus strand): 5'-GAAGGAGAGAAAATTGTTCTACAGGTTCCTGCTGGCAAAATTATTATTCCTCCTAATTTT[C>T]AGGTACTATAACTTTTTTAACTAATACGAATTCTTATCTCTCAACAAGTAGATTTTATTG-3'